The following is an entry in ClinVar:

ClinVar aggregate classification (germline): Uncertain significance. Review status: criteria provided, multiple submitters, no conflicts (2 of 4 stars). 2 submissions from 2 submitters: Uncertain significance (2). Last evaluated 2024-02-18.

Conditions:
Cardiovascular phenotype. Identifiers: MedGen CN230736.
Hypertrophic cardiomyopathy. Also called: HYPERTROPHIC MYOCARDIOPATHY. Identifiers: Orphanet 217569, MedGen C0007194, MeSH D002312, MONDO:0005045, HP:0001639.

Allele frequency attached by ClinVar (database versions not stated): gnomAD exomes below 0.00001; TOPMed below 0.00001; gnomAD 0.00001.
gnomAD v4.1: 2 of 1,557,684 alleles (0.00013%); highest among the groups gnomAD compares: Non-Finnish European, 0.00017%; no homozygotes.

Submissions (2):

Ambry Genetics
Classification: Uncertain significance for Cardiovascular phenotype. Last evaluated: 2024-02-18. Review status: criteria provided, single submitter. Criteria: Ambry Variant Classification Scheme 2023. Collection method: clinical testing. Allele origin: germline.
Comment: The p.E785D variant (also known as c.2355G>C), located in coding exon 24 of the MYBPC3 gene, results from a G to C substitution at nucleotide position 2355. The glutamic acid at codon 785 is replaced by aspartic acid, an amino acid with highly similar properties. This amino acid position is conserved. In addition, this alteration is predicted to be tolerated by in silico analysis. Based on the available evidence, the clinical significance of this alteration remains unclear.

Labcorp Genetics (formerly Invitae), Labcorp
Classification: Uncertain significance for Hypertrophic cardiomyopathy. Last evaluated: 2021-08-27. Review status: criteria provided, single submitter. Criteria: Invitae Variant Classification Sherloc (09022015). Collection method: clinical testing. Allele origin: germline.
Comment: This sequence change replaces glutamic acid with aspartic acid at codon 785 of the MYBPC3 protein (p.Glu785Asp). The glutamic acid residue is highly conserved and there is a small physicochemical difference between glutamic acid and aspartic acid. This variant is not present in population databases (ExAC no frequency). This variant has not been reported in the literature in individuals affected with MYBPC3-related conditions. Algorithms developed to predict the effect of missense changes on protein structure and function (SIFT, PolyPhen-2, Align-GVGD) all suggest that this variant is likely to be disruptive. In summary, the available evidence is currently insufficient to determine the role of this variant in disease. Therefore, it has been classified as a Variant of Uncertain Significance.

NM_000256.3(MYBPC3):c.2355G>C (p.Glu785Asp)

Gene: MYBPC3 (myosin binding protein C3; minus strand). Cytogenetic location: 11p11.2.
Variant type: single nucleotide variant.
Coding change: c.2355G>C on transcript NM_000256.3 (MANE Select); coding-DNA position 2355, G replaced by C.
Protein change: p.Glu785Asp; replaces glutamic acid 785 with aspartic acid.
Molecular consequence: missense variant.
Genome position (GRCh38, 1-based): chr11:47,337,748, C>G on the plus strand (G>C on the coding strand, the complement: MYBPC3 is on the minus strand). VCF-style: chr11-47337748-C-G. GRCh37 (hg19) VCF-style: chr11-47359299-C-G.
Other names: short protein forms E785D.
Identifiers: ClinVar variation 1010229 (VCV001010229.7), dbSNP rs2095883992, ClinGen allele CA380318867.